The following is an entry in ClinVar:

NM_016222.4(DDX41):c.1579G>A (p.Gly527Arg)

Gene: DDX41 (DEAD-box helicase 41; minus strand). Cytogenetic location: 5q35.3.
Variant type: single nucleotide variant.
Coding change: c.1579G>A on transcript NM_016222.4 (MANE Select); coding-DNA position 1579, G replaced by A.
Protein change: p.Gly527Arg; replaces glycine 527 with arginine.
Molecular consequence: missense variant.
Genome position (GRCh38, 1-based): chr5:177,512,364, C>T on the plus strand (G>A on the coding strand, the complement: DDX41 is on the minus strand). VCF-style: chr5-177512364-C-T. GRCh37 (hg19) VCF-style: chr5-176939365-C-T.
Other names: c.1201G>A, p.Gly401Arg (NM_001321732.2, NM_001321830.2); short protein forms G401R, G527R.
Identifiers: ClinVar variation 3839050 (VCV003839050.1).

ClinVar aggregate classification (germline): Uncertain significance (1 of 4 stars; one submission).

Conditions:
Inborn genetic diseases. Identifiers: MedGen C0950123, MeSH D030342.

gnomAD v4.1: 1 of 1,613,982 alleles (0.000062%); highest among the groups gnomAD compares: Non-Finnish European, 0.000085%; no homozygotes.

Submission:

Ambry Genetics
Classification: Uncertain significance for Inborn genetic diseases. Last evaluated: 2025-03-07. Review status: criteria provided, single submitter. Criteria: Ambry Variant Classification Scheme 2023. Collection method: clinical testing. Allele origin: germline.
Comment: The p.G527R variant (also known as c.1579G>A), located in coding exon 15 of the DDX41 gene, results from a G to A substitution at nucleotide position 1579. The glycine at codon 527 is replaced by arginine, an amino acid with dissimilar properties. This amino acid position is highly conserved in available vertebrate species. In addition, this alteration is predicted to be deleterious by in silico analysis. Based on the available evidence, the clinical significance of this variant remains unclear.

Literature cited by the submitters: PubMed 37506341.